The following is an entry in ClinVar:

ClinVar aggregate classification (germline): not provided (0 of 4 stars; one submission).

Conditions:
Familial long QT syndrome (RWS). Also called: Congenital long QT syndrome; Romano-Ward syndrome; VENTRICULAR FIBRILLATION WITH PROLONGED QT INTERVAL. Identifiers: Orphanet 768, MedGen C1141890, MONDO:0019171.

Submission:

Cardiovascular Biomedical Research Unit, Royal Brompton & Harefield NHS Foundation Trust
No classification provided. Condition: Familial long QT syndrome. Review status: no classification provided. Collection method: literature only. Allele origin: germline.
Comment: This variant has been reported in the following publications (PMID:16217063).

Literature cited by the submitters: PubMed 16217063; PubMed 22581653.

NM_000891.3(KCNJ2):c.650T>C (p.Leu217Pro)

Gene: KCNJ2 (potassium inwardly rectifying channel subfamily J member 2; plus strand). Cytogenetic location: 17q24.3.
Variant type: single nucleotide variant.
Coding change: c.650T>C on transcript NM_000891.3 (MANE Select); coding-DNA position 650, T replaced by C.
Protein change: p.Leu217Pro; replaces leucine 217 with proline.
Molecular consequence: missense variant.
Genome position (GRCh38, 1-based): chr17:70,175,689, T>C. VCF-style: chr17-70175689-T-C. GRCh37 (hg19) VCF-style: chr17-68171830-T-C.
Other names: c.650T>C (LRG_328t1); short protein forms L217P.
Identifiers: ClinVar variation 67584 (VCV000067584.1), dbSNP rs199473656, ClinGen allele CA329696.